The following is an entry in ClinVar:

ClinVar aggregate classification (germline): Uncertain significance. Review status: criteria provided, multiple submitters, no conflicts (2 of 4 stars). 2 submissions from 2 submitters: Uncertain significance (2). Last evaluated 2025-10-27.

Conditions:
Hereditary cancer-predisposing syndrome. Also called: Neoplastic Syndromes, Hereditary; Tumor predisposition; Hereditary neoplastic syndrome; Hereditary Cancer Syndrome. Identifiers: Orphanet 140162, MedGen C0027672, MeSH D009386, MONDO:0015356.
Cardiovascular phenotype. Identifiers: MedGen CN230736.

Submissions (2):

Labcorp Genetics (formerly Invitae), Labcorp
Classification: Uncertain significance. Last evaluated: 2025-10-27. Review status: criteria provided, single submitter. Criteria: Invitae Variant Classification Sherloc (09022015). Collection method: clinical testing. Allele origin: germline.
Comment: This sequence change replaces lysine, which is basic and polar, with asparagine, which is neutral and polar, at codon 595 of the LZTR1 protein (p.Lys595Asn). This variant also falls at the last nucleotide of exon 15, which is part of the consensus splice site for this exon. This variant is not present in population databases (gnomAD no frequency). This variant has not been reported in the literature in individuals affected with LZTR1-related conditions. ClinVar contains an entry for this variant (Variation ID: 3011692). An algorithm developed to predict the effect of missense changes on protein structure and function (PolyPhen-2) suggests that this variant is likely to be disruptive. Variants that disrupt the consensus splice site are a relatively common cause of aberrant splicing (PMID: 17576681, 9536098). Algorithms developed to predict the effect of sequence changes on RNA splicing suggest that this variant may disrupt the consensus splice site. In summary, the available evidence is currently insufficient to determine the role of this variant in disease. Therefore, it has been classified as a Variant of Uncertain Significance.

Ambry Genetics
Classification: Uncertain significance for Cardiovascular phenotype; Hereditary cancer-predisposing syndrome. Last evaluated: 2025-01-23. Review status: criteria provided, single submitter. Criteria: Ambry Variant Classification Scheme 2023. Collection method: clinical testing. Allele origin: germline.
Comment: The p.K595N variant (also known as c.1785G>C), located in coding exon 15 of the LZTR1 gene, results from a G to C substitution at nucleotide position 1785. The lysine at codon 595 is replaced by asparagine, an amino acid with similar properties. However, this change occurs in the last base pair of coding exon 15, which makes it likely to have some effect on normal mRNA splicing. This nucleotide position is highly conserved in available vertebrate species. This amino acid position is highly conserved in available vertebrate species. In silico splice site analysis predicts that this alteration will weaken the native splice donor site and will result in the creation or strengthening of a novel splice donor site. In addition, as a missense substitution this is predicted to be inconclusive by in silico analysis. Based on the available evidence, the clinical significance of this variant remains unclear.

Literature cited by the submitters: PubMed 17576681 (cited by Labcorp Genetics (formerly Invitae), Labcorp); PubMed 9536098 (cited by Labcorp Genetics (formerly Invitae), Labcorp).

NM_006767.4(LZTR1):c.1785G>C (p.Lys595Asn)

Gene: LZTR1 (leucine zipper like post translational regulator 1; plus strand). Cytogenetic location: 22q11.21.
Variant type: single nucleotide variant.
Coding change: c.1785G>C on transcript NM_006767.4 (MANE Select); coding-DNA position 1785, G replaced by C.
Protein change: p.Lys595Asn; replaces lysine 595 with asparagine.
Molecular consequence: missense variant.
Genome position (GRCh38, 1-based): chr22:20,994,727, G>C. VCF-style: chr22-20994727-G-C. GRCh37 (hg19) VCF-style: chr22-21349016-G-C.
Other names: c.1785G>C (NM_006767.3); short protein forms K595N.
Identifiers: ClinVar variation 3011692 (VCV003011692.4), dbSNP rs773793756, ClinGen allele CA410778393.